The following is an entry in ClinVar:

ClinVar aggregate classification (germline): Likely pathogenic (1 of 4 stars; one submission).

Conditions:
Neurodegeneration with brain iron accumulation 5 (NBIA5). Also called: STATIC ENCEPHALOPATHY OF CHILDHOOD WITH NEURODEGENERATION IN ADULTHOOD; Beta-propeller protein-associated neurodegeneration. Identifiers: Orphanet 329284, MedGen C3550973, MONDO:0010476, OMIM 300894.

Submission:

Labcorp Genetics (formerly Invitae), Labcorp
Classification: Likely pathogenic for Neurodegeneration with brain iron accumulation 5. Last evaluated: 2023-04-12. Review status: criteria provided, single submitter. Criteria: Invitae Variant Classification Sherloc (09022015). Collection method: clinical testing. Allele origin: germline.
Comment: In summary, the currently available evidence indicates that the variant is pathogenic, but additional data are needed to prove that conclusively. Therefore, this variant has been classified as Likely Pathogenic. This variant has been observed in individual(s) with clinical features of neurodegeneration with brain iron accumulation (Invitae). This variant results in the deletion of part of exon 5 of the WDR45 gene. It is expected to disrupt RNA splicing. Variants that disrupt the donor or acceptor splice site typically lead to a loss of protein function (PMID: 16199547), and loss-of-function variants in WDR45 are known to be pathogenic (PMID: 23176820, 24368176, 24621584, 25744623, 26790960, 27030146, 27652284, 28554332).

Literature cited by the submitters: PubMed 16199547; PubMed 23176820; PubMed 24368176; PubMed 24621584; PubMed 25744623; PubMed 26790960; PubMed 27030146; PubMed 27652284; PubMed 28554332.

NM_001029896.2(WDR45):c.234_235+1delinsC

Genes: WDR45 (WD repeat domain 45; minus strand), LOC126863256 (BRD4-independent group 4 enhancer GRCh37_chrX:48934848-48936047; plus strand). Cytogenetic location: Xp11.23.
Variant type: Indel.
Coding change: c.234_235+1delinsC on transcript NM_001029896.2 (MANE Select); coding-DNA position 234 through the canonical splice donor site of the intron after coding-DNA position 235, AGG replaced by C.
Molecular consequence: splice donor variant.
Genome position (GRCh38, 1-based): chrX:49,077,642-49,077,644, CCT replaced by G on the plus strand (AGG replaced by C on the coding strand, the reverse complement: WDR45 is on the minus strand). VCF-style: chrX-49077642-CCT-G. GRCh37 (hg19) VCF-style: chrX-48935301-CCT-G.
Other names: c.234_235+1delinsC (NM_007075.4).
Identifiers: ClinVar variation 2855605 (VCV002855605.3), dbSNP rs2520266084, ClinGen allele CA2739273498.